The following is an entry in ClinVar:

ClinVar aggregate classification (germline): Uncertain significance (1 of 4 stars; one submission).

Submission:

GeneDx
Classification: Uncertain significance. Last evaluated: 2023-11-10. Review status: criteria provided, single submitter. Criteria: GeneDx Variant Classification Process June 2021. Collection method: clinical testing. Allele origin: germline. Affected: yes.
Comment: Not observed at significant frequency in large population cohorts (gnomAD); In silico analysis supports that this missense variant does not alter protein structure/function; Has not been previously published as pathogenic or benign to our knowledge

NM_177559.3(CSNK2A1):c.623T>C (p.Met208Thr)

Gene: CSNK2A1 (casein kinase 2 alpha 1; minus strand). Cytogenetic location: 20p13.
Variant type: single nucleotide variant.
Coding change: c.623T>C on transcript NM_177559.3 (MANE Select); coding-DNA position 623, T replaced by C.
Protein change: p.Met208Thr; replaces methionine 208 with threonine.
Molecular consequence: missense variant.
Genome position (GRCh38, 1-based): chr20:489,880, A>G on the plus strand (T>C on the coding strand, the complement: CSNK2A1 is on the minus strand). VCF-style: chr20-489880-A-G. GRCh37 (hg19) VCF-style: chr20-470524-A-G.
Other names: c.623T>C, p.Met208Thr (NM_001362770.2, NM_001362771.2, NM_001895.4); c.215T>C, p.Met72Thr (NM_177560.3); short protein forms M208T, M72T.
Identifiers: ClinVar variation 3364279 (VCV003364279.1).